The following is an entry in ClinVar:

ClinVar aggregate classification (germline): Benign/Likely benign. Review status: criteria provided, multiple submitters, no conflicts (2 of 4 stars). 5 submissions from 5 submitters: Benign (1); Likely benign (4). Last evaluated 2026-01-27.

Conditions:
SLC35A2-congenital disorder of glycosylation. Also called: CONGENITAL DISORDER OF GLYCOSYLATION, TYPE IIm; CDG IIm; CONGENITAL DISORDER OF GLYCOSYLATION, TYPE IIm, SOMATIC MOSAIC; EPILEPTIC ENCEPHALOPATHY, EARLY INFANTILE, 22; SLC35A2-CDG; DEVELOPMENTAL AND EPILEPTIC ENCEPHALOPATHY 22. Identifiers: Orphanet 356961, MedGen C3806688, MONDO:0010478, OMIM 300896.
Inborn genetic diseases. Identifiers: MedGen C0950123, MeSH D030342.

Allele frequency attached by ClinVar (database versions not stated): ESP Exome Variant Server 0.00104; gnomAD exomes 0.00013 and 0.00026; 1000 Genomes Project 0.00026; ExAC 0.00035; 1000 Genomes Project 30x 0.00042; gnomAD 0.00045 and 0.00046; TOPMed 0.00049.

Submissions (5):

Labcorp Genetics (formerly Invitae), Labcorp
Classification: Benign for SLC35A2-congenital disorder of glycosylation. Last evaluated: 2026-01-27. Review status: criteria provided, single submitter. Criteria: Invitae Variant Classification Sherloc (09022015). Collection method: clinical testing. Allele origin: germline.

Ambry Genetics
Classification: Likely benign for Inborn genetic diseases. Last evaluated: 2024-12-24. Review status: criteria provided, single submitter. Criteria: Ambry Variant Classification Scheme 2023. Collection method: clinical testing. Allele origin: germline.

Blueprint Genetics
Classification: Likely benign. Last evaluated: 2024-07-23. Review status: criteria provided, single submitter. Criteria: ACMG Guidelines, 2015. Collection method: clinical testing. Allele origin: germline.

CeGaT Center for Human Genetics Tuebingen
Classification: Likely benign. Last evaluated: 2022-09-01. Review status: criteria provided, single submitter. Criteria: CeGaT Center For Human Genetics Tuebingen Variant Classification Criteria Version 2. Collection method: clinical testing. Allele origin: germline. Affected: yes. Observed: 1 variant allele.
Comment: SLC35A2: BP4, BS2

GeneDx
Classification: Likely benign. Last evaluated: 2017-05-22. Review status: criteria provided, single submitter. Criteria: GeneDx Variant Classification (06012015). Collection method: clinical testing. Allele origin: germline. Affected: yes.
Comment: This variant is considered likely benign or benign based on one or more of the following criteria: it is a conservative change, it occurs at a poorly conserved position in the protein, it is predicted to be benign by multiple in silico algorithms, and/or has population frequency not consistent with disease.

NM_005660.3(SLC35A2):c.1078G>A (p.Val360Ile)

Gene: SLC35A2 (solute carrier family 35 member A2; minus strand). Cytogenetic location: Xp11.23.
Variant type: single nucleotide variant.
Coding change: c.1078G>A on transcript NM_005660.3 (MANE Select); coding-DNA position 1078, G replaced by A.
Protein change: p.Val360Ile; replaces valine 360 with isoleucine.
Molecular consequence: missense variant.
Genome position (GRCh38, 1-based): chrX:48,904,831, C>T on the plus strand (G>A on the coding strand, the complement: SLC35A2 is on the minus strand). VCF-style: chrX-48904831-C-T. GRCh37 (hg19) VCF-style: chrX-48762108-C-T.
Other names: c.488G>A, p.Arg163His (NM_001032289.3, NM_001282647.2); c.1078G>A, p.Val360Ile (NM_001042498.3); c.416G>A, p.Arg139His (NM_001282648.2); c.895G>A, p.Val299Ile (NM_001282649.2); c.1117G>A, p.Val373Ile (NM_001282650.2); c.1162G>A, p.Val388Ile (NM_001282651.2); short protein forms V360I, V373I, R139H, R163H, V299I, V388I.
Identifiers: ClinVar variation 509462 (VCV000509462.38), dbSNP rs138190020, ClinGen allele CA10406060.